The following is an entry in ClinVar:

ClinVar aggregate classification (germline): Uncertain significance (1 of 4 stars; one submission).

Submission:

Labcorp Genetics (formerly Invitae), Labcorp
Classification: Uncertain significance. Last evaluated: 2023-12-11. Review status: criteria provided, single submitter. Criteria: Invitae Variant Classification Sherloc (09022015). Collection method: clinical testing. Allele origin: germline.
Comment: This sequence change replaces methionine, which is neutral and non-polar, with isoleucine, which is neutral and non-polar, at codon 304 of the DSG1 protein (p.Met304Ile). This variant is not present in population databases (gnomAD no frequency). This variant has not been reported in the literature in individuals affected with DSG1-related conditions. Advanced modeling of protein sequence and biophysical properties (such as structural, functional, and spatial information, amino acid conservation, physicochemical variation, residue mobility, and thermodynamic stability) performed at Invitae indicates that this missense variant is not expected to disrupt DSG1 protein function with a negative predictive value of 80%. In summary, the available evidence is currently insufficient to determine the role of this variant in disease. Therefore, it has been classified as a Variant of Uncertain Significance.

NM_001942.4(DSG1):c.912G>T (p.Met304Ile)

Gene: DSG1 (desmoglein 1; plus strand). Cytogenetic location: 18q12.1.
Variant type: single nucleotide variant.
Coding change: c.912G>T on transcript NM_001942.4 (MANE Select); coding-DNA position 912, G replaced by T.
Protein change: p.Met304Ile; replaces methionine 304 with isoleucine.
Molecular consequence: missense variant.
Genome position (GRCh38, 1-based): chr18:31,334,109, G>T. VCF-style: chr18-31334109-G-T. GRCh37 (hg19) VCF-style: chr18-28914072-G-T.
Other names: short protein forms M304I.
Identifiers: ClinVar variation 2697443 (VCV002697443.3), dbSNP rs2511047447, ClinGen allele CA402131112.